The following is an entry in ClinVar:

NM_001127208.3(TET2):c.3829G>C (p.Asp1277His)

Genes: TET2 (tet methylcytosine dioxygenase 2; plus strand), TET2-AS1 (TET2 antisense RNA 1; minus strand). Cytogenetic location: 4q24.
Variant type: single nucleotide variant.
Coding change: c.3829G>C on transcript NM_001127208.3 (MANE Select); coding-DNA position 3829, G replaced by C.
Protein change: p.Asp1277His; replaces aspartic acid 1277 with histidine.
Molecular consequence: missense variant.
Genome position (GRCh38, 1-based): chr4:105,259,644, G>C. VCF-style: chr4-105259644-G-C. GRCh37 (hg19) VCF-style: chr4-106180801-G-C.
Other names: short protein forms D1277H.
Identifiers: ClinVar variation 4530466 (VCV004530466.1).

ClinVar aggregate classification (somatic clinical impact): Tier II - Potential (1 of 4 stars; one submission).

Conditions:
Nasopharyngeal carcinoma. Also called: Nasopharyngeal carcinoma, somatic. Identifiers: Orphanet 150, MedGen C2931822, MONDO:0015459, OMIM 607107.

gnomAD v4.1: 1 of 1,551,060 alleles (0.000064%); highest among the groups gnomAD compares: Non-Finnish European, 0.000087%; no homozygotes.

Submission:

Institute for Genomic Medicine (IGM) Clinical Laboratory, Nationwide Children's Hospital
Classification: Tier II - Potential for Nasopharyngeal carcinoma. Assertion type: diagnostic. Clinical significance: supports diagnosis. Last evaluated: 2023-05-17. Review status: criteria provided, single submitter. Criteria: AMP/ASCO/CAP Guidelines, 2017. Collection method: clinical testing. Allele origin: somatic. Affected: yes.
Comment: Variant has Tier II (potential) clinical significance as a diagnostic inclusion criterion in nasopharyngeal carcinoma, based on the following evidence: 1) Assists in diagnosis alone or along with other biomarkers based on small studies or few case reports (Evidence Level D; PMID: 24952746).

Literature cited by the submitters: PubMed 24952746.